The following is an entry in ClinVar:

NM_000360.4(TH):c.362C>T (p.Pro121Leu)

Gene: TH (tyrosine hydroxylase; minus strand). Cytogenetic location: 11p15.5.
Variant type: single nucleotide variant.
Coding change: c.362C>T on transcript NM_000360.4 (MANE Select); coding-DNA position 362, C replaced by T.
Protein change: p.Pro121Leu; replaces proline 121 with leucine.
Molecular consequence: missense variant.
Genome position (GRCh38, 1-based): chr11:2,168,616, G>A on the plus strand (C>T on the coding strand, the complement: TH is on the minus strand). VCF-style: chr11-2168616-G-A. GRCh37 (hg19) VCF-style: chr11-2189846-G-A.
Other names: c.455C>T, p.Pro152Leu (NM_199292.3); c.443C>T, p.Pro148Leu (NM_199293.3); short protein forms P152L, P148L, P121L.
Identifiers: ClinVar variation 426864 (VCV000426864.13), dbSNP rs760017478, ClinGen allele CA5818695.

ClinVar aggregate classification (germline): Conflicting classifications of pathogenicity. Review status: criteria provided, conflicting classifications (1 of 4 stars). 4 submissions from 4 submitters: Uncertain significance (1); Likely benign (2). 1 of the submissions does not count toward it. Last evaluated 2026-01-28.

Conditions:
Inborn genetic diseases. Identifiers: MedGen C0950123, MeSH D030342.
TH-deficient dopa-responsive dystonia. Also called: DYT-TH; Tyrosine Hydroxylase-Deficient Dopa-Responsive Dystonia; Segawa syndrome, autosomal recessive. Identifiers: Orphanet 101150, MedGen C2673535, MONDO:0011551, OMIM 605407.

Allele frequency attached by ClinVar (database versions not stated): TOPMed 0.00023; gnomAD 0.00006 and 0.00005; gnomAD exomes 0.00003 and 0.00012; ExAC 0.00006.
gnomAD v4.1: 52 of 1,611,840 alleles (0.0032%); highest among the groups gnomAD compares: Admixed American, 0.065%; no homozygotes.

Submissions (4):

Labcorp Genetics (formerly Invitae), Labcorp
Classification: Likely benign for TH-deficient dopa-responsive dystonia. Last evaluated: 2026-01-28. Review status: criteria provided, single submitter. Criteria: Invitae Variant Classification Sherloc (09022015). Collection method: clinical testing. Allele origin: germline.

Ambry Genetics
Classification: Likely benign for Inborn genetic diseases. Last evaluated: 2025-08-19. Review status: criteria provided, single submitter. Criteria: Ambry Variant Classification Scheme 2023. Collection method: clinical testing. Allele origin: germline.

GeneDx
Classification: Uncertain significance. Last evaluated: 2025-02-23. Review status: criteria provided, single submitter. Criteria: GeneDx Variant Classification Process June 2021. Collection method: clinical testing. Allele origin: germline. Affected: yes.
Comment: In silico analysis supports that this missense variant has a deleterious effect on protein structure/function; Has not been previously published as pathogenic or benign to our knowledge

Natera, Inc.
Classification: Likely benign for Autosomal recessive Segawa syndrome. Last evaluated: 2020-04-12. Review status: no assertion criteria provided. Collection method: clinical testing. Allele origin: germline. Not counted in ClinVar's aggregate classification.